The following is an entry in ClinVar:

NM_198578.4(LRRK2):c.5858G>A (p.Gly1953Asp)

Gene: LRRK2 (leucine rich repeat kinase 2; plus strand). Cytogenetic location: 12q12.
Variant type: single nucleotide variant.
Coding change: c.5858G>A on transcript NM_198578.4 (MANE Select); coding-DNA position 5858, G replaced by A.
Protein change: p.Gly1953Asp; replaces glycine 1953 with aspartic acid.
Molecular consequence: missense variant.
Genome position (GRCh38, 1-based): chr12:40,335,067, G>A. VCF-style: chr12-40335067-G-A. GRCh37 (hg19) VCF-style: chr12-40728869-G-A.
Other names: short protein forms G1953D.
Identifiers: ClinVar variation 2624894 (VCV002624894.2), dbSNP rs746982964, ClinGen allele CA6514555.
Genomic context (GRCh38, chr12:40,335,067, plus strand): 5'-TATCTTTGCTGGCAGCTGGGATTCGTCCCCGGATGTTGGTGATGGAGTTAGCCTCCAAGG[G>A]TTCCTTGGATCGCCTGCTTCAGCAGGACAAAGCCAGCCTCACTAGAACCCTACAGCACAG-3'
Protein context (NP_940980.4, residues 1943-1963): RMLVMELASK[Gly1953Asp]SLDRLLQQDK

ClinVar aggregate classification (germline): Uncertain significance (1 of 4 stars; one submission).

Conditions:
Inborn genetic diseases. Identifiers: MedGen C0950123, MeSH D030342.

Allele frequency attached by ClinVar (database versions not stated): gnomAD exomes below 0.00001; ExAC 0.00001.
gnomAD v4.1: 1 of 1,614,076 alleles (0.000062%); highest among the groups gnomAD compares: South Asian, 0.0011%; no homozygotes.

Submission:

Ambry Genetics
Classification: Uncertain significance for Inborn genetic diseases. Last evaluated: 2023-09-01. Review status: criteria provided, single submitter. Criteria: Ambry Variant Classification Scheme 2023. Collection method: clinical testing. Allele origin: germline.
Comment: The p.G1953D variant (also known as c.5858G>A), located in coding exon 40 of the LRRK2 gene, results from a G to A substitution at nucleotide position 5858. The glycine at codon 1953 is replaced by aspartic acid, an amino acid with similar properties. This amino acid position is conserved. In addition, this alteration is predicted to be deleterious by in silico analysis. Since supporting evidence is limited at this time, the clinical significance of this alteration remains unclear.